The following is an entry in ClinVar:

ClinVar aggregate classification (germline): Conflicting classifications of pathogenicity. Review status: criteria provided, conflicting classifications (1 of 4 stars). 4 submissions from 4 submitters: Likely pathogenic (1); Uncertain significance (3). Last evaluated 2025-12-01.

Conditions:
Lung cancer. Also called: Malignant tumor of lung; Lung cancer, somatic. Identifiers: MedGen C0242379, MONDO:0008903, OMIM 211980.
EGFR-related lung cancer (EGFR). Identifiers: MedGen CN130014.
Hereditary cancer-predisposing syndrome. Also called: Tumor predisposition; Neoplastic Syndromes, Hereditary; Hereditary neoplastic syndrome; Hereditary Cancer Syndrome. Identifiers: Orphanet 140162, MedGen C0027672, MeSH D009386, MONDO:0015356.

Allele frequency attached by ClinVar (database versions not stated): gnomAD exomes 0.00001 and below 0.00001; ExAC 0.00001.
gnomAD v4.1: 5 of 1,614,190 alleles (0.00031%); highest among the groups gnomAD compares: East Asian, 0.0022%; no homozygotes.

Submissions (4):

Dasa
Classification: Uncertain significance. Last evaluated: 2025-12-01. Review status: criteria provided, single submitter. Criteria: DASA Assertion Criteria. Collection method: clinical testing. Allele origin: germline.
Comment: NM_005228.5(EGFR):c.2402A>G (p.Tyr801Cys) is a missense variant that results in the substitution of tyrosine with cysteine. This variant is rare in population databases. Computational prediction algorithms are consistent with a deleterious effect. The currently available literature and clinical evidence are not sufficient to establish a definitive association between this variant and the reported condition. Therefore, this variant is classified as a variant of uncertain significance.

Labcorp Genetics (formerly Invitae), Labcorp
Classification: Uncertain significance for EGFR-related lung cancer. Last evaluated: 2025-09-02. Review status: criteria provided, single submitter. Criteria: Invitae Variant Classification Sherloc (09022015). Collection method: clinical testing. Allele origin: germline.
Comment: This sequence change replaces tyrosine, which is neutral and polar, with cysteine, which is neutral and slightly polar, at codon 801 of the EGFR protein (p.Tyr801Cys). This variant is present in population databases (rs779394350, gnomAD 0.003%). This missense change has been observed in individual(s) with lung cancer (PMID: 29587953). ClinVar contains an entry for this variant (Variation ID: 1014501). Invitae Evidence Modeling of protein sequence and biophysical properties (such as structural, functional, and spatial information, amino acid conservation, physicochemical variation, residue mobility, and thermodynamic stability) indicates that this missense variant is not expected to disrupt EGFR protein function with a negative predictive value of 80%. In summary, the available evidence is currently insufficient to determine the role of this variant in disease. Therefore, it has been classified as a Variant of Uncertain Significance.

Ambry Genetics
Classification: Uncertain significance for Hereditary cancer-predisposing syndrome. Last evaluated: 2025-01-29. Review status: criteria provided, single submitter. Criteria: Ambry Variant Classification Scheme 2023. Collection method: clinical testing. Allele origin: germline.
Comment: The p.Y801C variant (also known as c.2402A>G), located in coding exon 20 of the EGFR gene, results from an A to G substitution at nucleotide position 2402. The tyrosine at codon 801 is replaced by cysteine, an amino acid with highly dissimilar properties. This amino acid position is highly conserved in available vertebrate species. In addition, this alteration is predicted to be deleterious by in silico analysis. Based on the available evidence, the clinical significance of this variant remains unclear.

MVZ Martinsried, Medicover Genetics
Classification: Likely pathogenic for Lung cancer. Last evaluated: 2023-06-26. Review status: criteria provided, single submitter. Criteria: ACGS Guidelines, 2020. Collection method: clinical testing. Allele origin: unknown. Affected: yes.

Literature cited by the submitters: PubMed 29587953 (cited by Labcorp Genetics (formerly Invitae), Labcorp).

NM_005228.5(EGFR):c.2402A>G (p.Tyr801Cys)

Genes: EGFR (epidermal growth factor receptor; plus strand), EGFR-AS1 (EGFR antisense RNA 1; minus strand). Cytogenetic location: 7p11.2.
Variant type: single nucleotide variant.
Coding change: c.2402A>G on transcript NM_005228.5 (MANE Select); coding-DNA position 2402, A replaced by G.
Protein change: p.Tyr801Cys; replaces tyrosine 801 with cysteine.
Molecular consequence: missense variant. On other transcripts: non-coding transcript variant (1).
Genome position (GRCh38, 1-based): chr7:55,181,411, A>G. VCF-style: chr7-55181411-A-G. GRCh37 (hg19) VCF-style: chr7-55249104-A-G.
Other names: c.2402A>G (NM_005228.3); c.2267A>G, p.Tyr756Cys (NM_001346897.2, NM_001346899.2); c.2402A>G, p.Tyr801Cys (NM_001346898.2); c.2243A>G, p.Tyr748Cys (NM_001346900.2); c.1601A>G, p.Tyr534Cys (NM_001346941.2); short protein forms Y534C, Y748C, Y756C, Y801C.
Identifiers: ClinVar variation 1014501 (VCV001014501.12), dbSNP rs779394350, ClinGen allele CA4266066.